The following is an entry in ClinVar:

ClinVar aggregate classification (germline): Uncertain significance (1 of 4 stars; one submission).

Conditions:
Neuropathy, hereditary motor and sensory, type 6B (HMSN6B). Also called: Neuropathy, hereditary motor and sensory, type VIB; NEUROPATHY, HEREDITARY MOTOR AND SENSORY, TYPE VIB, WITH OPTIC ATROPHY; HMSN VIB; CHARCOT-MARIE-TOOTH DISEASE, TYPE 6B. Identifiers: MedGen C4225302, MONDO:0014671, OMIM 616505.

Submission:

Labcorp Genetics (formerly Invitae), Labcorp
Classification: Uncertain significance for Neuropathy, hereditary motor and sensory, type 6B. Last evaluated: 2021-07-10. Review status: criteria provided, single submitter. Criteria: Invitae Variant Classification Sherloc (09022015). Collection method: clinical testing. Allele origin: germline.
Comment: In summary, the available evidence is currently insufficient to determine the role of this variant in disease. Therefore, it has been classified as a Variant of Uncertain Significance. Experimental studies and prediction algorithms are not available or were not evaluated, and the functional significance of this variant is currently unknown. This variant has not been reported in the literature in individuals affected with SLC25A46-related conditions. This variant is not present in population databases (ExAC no frequency). This variant, c.12_14del, results in the deletion of 1 amino acid(s) of the SLC25A46 protein (p.Arg5del), but otherwise preserves the integrity of the reading frame.

NM_138773.4(SLC25A46):c.9GCG[1] (p.Arg5del)

Gene: SLC25A46 (solute carrier family 25 member 46; plus strand). Cytogenetic location: 5q22.1.
Variant type: Microsatellite.
Coding change: c.9GCG[1] on transcript NM_138773.4 (MANE Select); one copy of the 3-base unit GCG starting at c.9; the reference has two copies in a row; one copy, 3 bases deleted.
Protein change: p.Arg5del; deletes arginine 5.
Molecular consequence: inframe deletion. On other transcripts: non-coding transcript variant (1), intron variant (1).
Genome position (GRCh38, 1-based): chr5:110,739,131-110,739,133, GCG deleted; deleting any 3 consecutive bases within chr5:110,739,128-110,739,133 gives the same sequence; the position shown is the placement nearest the transcript's 3' end. VCF-style (leftmost placement, unchanged base first): chr5-110739127-CGCG-C. GRCh37 (hg19) VCF-style: chr5-110074828-CGCG-C.
Other names: c.9GCG[1], p.Arg5del (NM_001303249.3); c.10+884_10+886del (NM_001303250.3); short protein forms R5del.
Identifiers: ClinVar variation 1359366 (VCV001359366.7), dbSNP rs2150403955, ClinGen allele CA2580612761.